The following is an entry in ClinVar:

ClinVar aggregate classification (germline): Uncertain significance (1 of 4 stars; one submission).

Submission:

Labcorp Genetics (formerly Invitae), Labcorp
Classification: Uncertain significance. Last evaluated: 2023-08-28. Review status: criteria provided, single submitter. Criteria: Invitae Variant Classification Sherloc (09022015). Collection method: clinical testing. Allele origin: germline.
Comment: Advanced modeling of protein sequence and biophysical properties (such as structural, functional, and spatial information, amino acid conservation, physicochemical variation, residue mobility, and thermodynamic stability) performed at Invitae indicates that this missense variant is not expected to disrupt CFB protein function. This sequence change replaces glutamine, which is neutral and polar, with arginine, which is basic and polar, at codon 616 of the CFB protein (p.Gln616Arg). This variant is not present in population databases (gnomAD no frequency). This variant has not been reported in the literature in individuals affected with CFB-related conditions. In summary, the available evidence is currently insufficient to determine the role of this variant in disease. Therefore, it has been classified as a Variant of Uncertain Significance.

NM_001710.6(CFB):c.1847A>G (p.Gln616Arg)

Gene: CFB (complement factor B; plus strand). Cytogenetic location: 6p21.33.
Variant type: single nucleotide variant.
Coding change: c.1847A>G on transcript NM_001710.6 (MANE Select); coding-DNA position 1847, A replaced by G.
Protein change: p.Gln616Arg; replaces glutamine 616 with arginine.
Molecular consequence: missense variant.
Genome position (GRCh38, 1-based): chr6:31,950,936, A>G. VCF-style: chr6-31950936-A-G. GRCh37 (hg19) VCF-style: chr6-31918713-A-G.
Other names: short protein forms Q616R.
Identifiers: ClinVar variation 2877975 (VCV002877975.3), dbSNP rs776661046, ClinGen allele CA136897937.